The following is an entry in ClinVar:

ClinVar aggregate classification (germline): Uncertain significance (1 of 4 stars; one submission).

Submission:

Labcorp Genetics (formerly Invitae), Labcorp
Classification: Uncertain significance. Last evaluated: 2022-05-31. Review status: criteria provided, single submitter. Criteria: Invitae Variant Classification Sherloc (09022015). Collection method: clinical testing. Allele origin: germline.
Comment: This variant is not present in population databases (gnomAD no frequency). This sequence change replaces proline, which is neutral and non-polar, with threonine, which is neutral and polar, at codon 27 of the DMXL2 protein (p.Pro27Thr). This variant has not been reported in the literature in individuals affected with DMXL2-related conditions. Algorithms developed to predict the effect of missense changes on protein structure and function (SIFT, PolyPhen-2, Align-GVGD) all suggest that this variant is likely to be tolerated. In summary, the available evidence is currently insufficient to determine the role of this variant in disease. Therefore, it has been classified as a Variant of Uncertain Significance.

NM_001378457.1(DMXL2):c.79C>A (p.Pro27Thr)

Gene: DMXL2 (Dmx like 2; minus strand). Cytogenetic location: 15q21.2.
Variant type: single nucleotide variant.
Coding change: c.79C>A on transcript NM_001378457.1 (MANE Select); coding-DNA position 79, C replaced by A.
Protein change: p.Pro27Thr; replaces proline 27 with threonine.
Molecular consequence: missense variant. On other transcripts: non-coding transcript variant (2).
Genome position (GRCh38, 1-based): chr15:51,622,467, G>T on the plus strand (C>A on the coding strand, the complement: DMXL2 is on the minus strand). VCF-style: chr15-51622467-G-T. GRCh37 (hg19) VCF-style: chr15-51914664-G-T.
Other names: c.79C>A, p.Pro27Thr (NM_001378462.1, NM_001378463.1, NM_001378464.1 and 7 more transcripts); short protein forms P27T.
Identifiers: ClinVar variation 2105273 (VCV002105273.4), dbSNP rs1334565279, ClinGen allele CA392755367.
Genomic context (GRCh38, chr15:51,622,467, plus strand): 5'-CCCCGCGTCTGGCCCCTGGTATCTTCCCCTAGGGCTCCCGGCCGCCGCTCACCGTGAAGG[G>T]GACATCCCCGACGCTGCCCACGGAGTAGCAGTTGTCTCCAGGGTTGACAGCTCCGGTGAG-3'
Protein context (NP_001365386.1, residues 17-37): CYSVGSVGDV[Pro27Thr]FTAYGSGCDI